The following is an entry in ClinVar:

NM_000059.4(BRCA2):c.41_63del (p.Ile14fs)

Gene: BRCA2 (BRCA2 DNA repair associated; plus strand). Cytogenetic location: 13q13.1.
Variant type: Deletion.
Coding change: c.41_63del on transcript NM_000059.4 (MANE Select); coding-DNA positions 41 to 63, 23 bases deleted (TTTTTAAGACACGCTGCAACAAA).
Protein change: p.Ile14fs; shifts the reading frame from isoleucine 14.
Molecular consequence: frameshift variant.
Genome position (GRCh38, 1-based): chr13:32,316,501-32,316,523, TTTTTAAGACACGCTGCAACAAA deleted; deleting any 23 consecutive bases within chr13:32,316,498-32,316,523 gives the same sequence; the c. name uses the placement nearest the transcript's 3' end. VCF-style (leftmost placement, unchanged base first): chr13-32316497-GAAATTTTTAAGACACGCTGCAAC-G. GRCh37 (hg19) VCF-style: chr13-32890634-GAAATTTTTAAGACACGCTGCAAC-G.
Other names: c.41_63del23, p.Ile14Serfs (NM_001406719.1, NM_001406720.1, NM_001406721.1); short protein forms I14fs.
Identifiers: ClinVar variation 1737852 (VCV001737852.7), dbSNP rs2548509775, ClinGen allele CA2580086947.

ClinVar aggregate classification (germline): Pathogenic. Review status: criteria provided, multiple submitters, no conflicts (2 of 4 stars). 2 submissions from 2 submitters: Pathogenic (2). Last evaluated 2025-04-10.

Conditions:
Hereditary cancer-predisposing syndrome. Also called: Neoplastic Syndromes, Hereditary; Tumor predisposition; Hereditary Cancer Syndrome; Hereditary neoplastic syndrome. Identifiers: Orphanet 140162, MedGen C0027672, MeSH D009386, MONDO:0015356.
Hereditary breast ovarian cancer syndrome. Also called: Hereditary breast and ovarian cancer syndrome; Breast and ovarian cancer; Hereditary breast and/or ovarian cancer syndrome; Hereditary breast and ovarian cancer; BRCA1- and BRCA2-Associated Hereditary Breast and Ovarian Cancer; Hereditary breast and ovarian cancer syndrome (HBOC). Identifiers: Orphanet 145, MedGen C0677776, MeSH D061325, MONDO:0003582. Disease mechanism: loss of function.

Submissions (2):

Labcorp Genetics (formerly Invitae), Labcorp
Classification: Pathogenic for Hereditary breast ovarian cancer syndrome. Last evaluated: 2025-04-10. Review status: criteria provided, single submitter. Criteria: Invitae Variant Classification Sherloc (09022015). Collection method: clinical testing. Allele origin: germline.
Comment: This sequence change creates a premature translational stop signal (p.Ile14Serfs*9) in the BRCA2 gene. It is expected to result in an absent or disrupted protein product. Loss-of-function variants in BRCA2 are known to be pathogenic (PMID: 20104584). This variant is not present in population databases (gnomAD no frequency). This variant has not been reported in the literature in individuals affected with BRCA2-related conditions. ClinVar contains an entry for this variant (Variation ID: 1737852). For these reasons, this variant has been classified as Pathogenic.

Ambry Genetics
Classification: Pathogenic for Hereditary cancer-predisposing syndrome. Last evaluated: 2022-08-22. Review status: criteria provided, single submitter. Criteria: Ambry Variant Classification Scheme 2023. Collection method: clinical testing. Allele origin: germline.
Comment: The c.41_63del23 pathogenic mutation, located in coding exon 1 of the BRCA2 gene, results from a deletion of 23 nucleotides at nucleotide positions 41 to 63, causing a translational frameshift with a predicted alternate stop codon (p.I14Sfs*9). This variant is considered to be rare based on population cohorts in the Genome Aggregation Database (gnomAD). This alteration is expected to result in loss of function by premature protein truncation or nonsense-mediated mRNA decay. As such, this alteration is interpreted as a disease-causing mutation.

Literature cited by the submitters: PubMed 20104584 (cited by Labcorp Genetics (formerly Invitae), Labcorp).